The following is an entry in ClinVar:

NM_000260.4(MYO7A):c.5857-1_5857delinsAT

Gene: MYO7A (myosin VIIA; plus strand). Cytogenetic location: 11q13.5.
Variant type: Indel.
Coding change: c.5857-1_5857delinsAT on transcript NM_000260.4 (MANE Select); the canonical splice acceptor site of the intron before coding-DNA position 5857 through coding-DNA position 5857, GG replaced by AT.
Molecular consequence: splice acceptor variant.
Genome position (GRCh38, 1-based): chr11:77,208,429-77,208,430, GG replaced by AT. VCF-style: chr11-77208429-GG-AT. GRCh37 (hg19) VCF-style: chr11-76919474-GG-AT.
Other names: c.5710-1_5710delinsAT (NM_001369365.1); c.5743-1_5743delinsAT (NM_001127180.2).
Identifiers: ClinVar variation 1068156 (VCV001068156.7), dbSNP rs2135757801, ClinGen allele CA2499221342.

ClinVar aggregate classification (germline): Likely pathogenic (1 of 4 stars; one submission).

Submission:

Labcorp Genetics (formerly Invitae), Labcorp
Classification: Likely pathogenic. Last evaluated: 2020-03-18. Review status: criteria provided, single submitter. Criteria: Invitae Variant Classification Sherloc (09022015). Collection method: clinical testing. Allele origin: germline.
Comment: This sequence change affects an acceptor splice site in intron 42 of the MYO7A gene. It is expected to disrupt RNA splicing and likely results in an absent or disrupted protein product. This variant is not present in population databases (ExAC no frequency). This variant has not been reported in the literature in individuals with MYO7A-related conditions. Algorithms developed to predict the effect of sequence changes on RNA splicing suggest that this variant may disrupt the consensus splice site, but this prediction has not been confirmed by published transcriptional studies. Donor and acceptor splice site variants typically lead to a loss of protein function (PMID: 16199547), and loss-of-function variants in MYO7A are known to be pathogenic (PMID: 8900236, 25404053). In summary, the currently available evidence indicates that the variant is pathogenic, but additional data are needed to prove that conclusively. Therefore, this variant has been classified as Likely Pathogenic.

Literature cited by the submitters: PubMed 16199547; PubMed 8900236; PubMed 25404053.